The following is an entry in ClinVar:

NM_001367624.2(ZNF469):c.2789G>T (p.Gly930Val)

Gene: ZNF469 (zinc finger protein 469; plus strand). Cytogenetic location: 16q24.2.
Variant type: single nucleotide variant.
Coding change: c.2789G>T on transcript NM_001367624.2 (MANE Select); coding-DNA position 2789, G replaced by T.
Protein change: p.Gly930Val; replaces glycine 930 with valine.
Molecular consequence: missense variant.
Genome position (GRCh38, 1-based): chr16:88,430,259, G>T. VCF-style: chr16-88430259-G-T. GRCh37 (hg19) VCF-style: chr16-88496667-G-T.
Other names: short protein forms G930V.
Identifiers: ClinVar variation 451152 (VCV000451152.1), dbSNP rs564654481, ClinGen allele CA397075498.
Genomic context (GRCh38, chr16:88,430,259, plus strand): 5'-CCCCCCGCCCTGGGGACAGGGGCTGCCCAGCCCGAGGCAGGCCCAAAACGCGTTCCCTGG[G>T]TCTGGCCCCCACCGAGGCGGATGCGCCCAGCCAGGGCAGGCAGCAGAGGAGGGGGAAGCA-3'
Protein context (NP_001354553.1, residues 920-940): ARGRPKTRSL[Gly930Val]LAPTEADAPS

ClinVar aggregate classification (germline): Uncertain significance (1 of 4 stars; one submission).

gnomAD v4.1: 1 of 1,522,870 alleles (0.000066%); no homozygotes.

Submission:

GeneDx
Classification: Uncertain significance. Last evaluated: 2017-08-10. Review status: criteria provided, single submitter. Criteria: GeneDx Variant Classification (06012015). Collection method: clinical testing. Allele origin: germline. Affected: yes.
Comment: A variant of uncertain significance has been identified in the ZNF469 gene. The G930V variant has not been published as pathogenic or been reported as benign to our knowledge. This variant is not observed in large population cohorts (Lek et al., 2016; 1000 Genomes Consortium et al., 2015; Exome Variant Server). However, the G930V variant is a conservative amino acid substitution, which is not likely to impact secondary protein structure as these residues share similar properties. This substitution occurs at a position that is not conserved across species, and in silico analysis is inconsistent in its predictions as to whether or not the variant is damaging to the protein structure/function.